The following is an entry in ClinVar:

NM_001042492.3(NF1):c.5609+4G>C

Gene: NF1 (neurofibromin 1; plus strand). Cytogenetic location: 17q11.2.
Variant type: single nucleotide variant.
Coding change: c.5609+4G>C on transcript NM_001042492.3 (MANE Select); 4 bases into the intron after coding-DNA position 5609, G replaced by C.
Molecular consequence: intron variant.
Genome position (GRCh38, 1-based): chr17:31,327,843, G>C. VCF-style: chr17-31327843-G-C. GRCh37 (hg19) VCF-style: chr17-29654861-G-C.
Other names: c.5546+4G>C (NM_000267.4).
Identifiers: ClinVar variation 942068 (VCV000942068.6), dbSNP rs2069386889, ClinGen allele CA1139665388.
Genomic context (GRCh38, chr17:31,327,843, plus strand): 5'-TGGGACACTGCTCAATATCGCATTACTTAATTTAGGCAGTTCTGACCCGAGTTTACGGTA[G>C]GTTTTTTAAAATTCTCTTCAGTTTGATTTGGGGTTTGTTGCTTTTAAAATGAGACCATTT-3'

ClinVar aggregate classification (germline): Uncertain significance (1 of 4 stars; one submission).

Conditions:
Neurofibromatosis, type 1 (NF1). Also called: Peripheral type neurofibromatosis; Neurofibromatosis, type I; VON RECKLINGHAUSEN DISEASE; NEUROFIBROMATOSIS, TYPE I, SOMATIC. Identifiers: Orphanet 636, MedGen C0027831, MONDO:0018975, OMIM 162200. Disease mechanism: loss of function.

Submission:

Labcorp Genetics (formerly Invitae), Labcorp
Classification: Uncertain significance for Neurofibromatosis, type 1. Last evaluated: 2024-10-30. Review status: criteria provided, single submitter. Criteria: Invitae Variant Classification Sherloc (09022015). Collection method: clinical testing. Allele origin: germline.
Comment: This sequence change falls in intron 37 of the NF1 gene. It does not directly change the encoded amino acid sequence of the NF1 protein. It affects a nucleotide within the consensus splice site. This variant is not present in population databases (gnomAD no frequency). This variant has not been reported in the literature in individuals affected with NF1-related conditions. ClinVar contains an entry for this variant (Variation ID: 942068). Variants that disrupt the consensus splice site are a relatively common cause of aberrant splicing (PMID: 17576681, 9536098). Algorithms developed to predict the effect of sequence changes on RNA splicing suggest that this variant is not likely to affect RNA splicing. In summary, the available evidence is currently insufficient to determine the role of this variant in disease. Therefore, it has been classified as a Variant of Uncertain Significance.

Literature cited by the submitters: PubMed 17576681; PubMed 9536098.